The following is an entry in ClinVar:

ClinVar aggregate classification (germline): Pathogenic (1 of 4 stars; one submission).

Conditions:
Salla disease (SD). Also called: Sialuria, Finnish type; N-acetylneuraminic acid (NANA) storage disease (NSD); Infantile sialic acid storage disorder (ISSD); Less Severe FSASD (Salla Disease). Identifiers: Orphanet 309334, Orphanet 834, MedGen C1096903, MONDO:0011449, OMIM 604369.

Submission:

Labcorp Genetics (formerly Invitae), Labcorp
Classification: Pathogenic for Salla disease. Last evaluated: 2020-10-04. Review status: criteria provided, single submitter. Criteria: Invitae Variant Classification Sherloc (09022015). Collection method: clinical testing. Allele origin: germline.
Comment: Loss-of-function variants in SLC17A5 are known to be pathogenic (PMID: 10581036, 10947946, 15172001). For these reasons, this variant has been classified as Pathogenic. This variant has not been reported in the literature in individuals with SLC17A5-related conditions. This sequence change creates a premature translational stop signal (p.Gly49Valfs*10) in the SLC17A5 gene. It is expected to result in an absent or disrupted protein product. This variant is not present in population databases (ExAC no frequency).

Literature cited by the submitters: PubMed 10581036; PubMed 10947946; PubMed 15172001.

NM_012434.5(SLC17A5):c.146del (p.Gly49fs)

Gene: SLC17A5 (solute carrier family 17 member 5; minus strand). Cytogenetic location: 6q13.
Variant type: Deletion.
Coding change: c.146del on transcript NM_012434.5 (MANE Select); coding-DNA position 146, one base deleted (G; older notation c.146delG).
Protein change: p.Gly49fs; shifts the reading frame from glycine 49.
Molecular consequence: frameshift variant. On other transcripts: intron variant (2).
Genome position (GRCh38, 1-based): chr6:73,644,552, C deleted on the plus strand (G on the coding strand, the reverse complement: SLC17A5 is on the minus strand); the first of 2 consecutive C bases (chr6:73,644,552-73,644,553); deleting either gives the same sequence. VCF-style (leftmost placement, unchanged base first): chr6-73644551-AC-A. GRCh37 (hg19) VCF-style: chr6-74354274-AC-A.
Other names: c.167del, p.Gly56fs (NM_001382631.1); c.146del, p.Gly49fs (NM_001382632.1, NM_001382633.1, NM_001382634.1 and 2 more transcripts); c.61-2628del (NM_001382636.1, NM_001382629.1); short protein forms G49fs, G56fs.
Identifiers: ClinVar variation 1074913 (VCV001074913.7), dbSNP rs2150120888, ClinGen allele CA2499218525.